The following is an entry in ClinVar:

NM_004287.5(GOSR2):c.278C>T (p.Ala93Val)

Genes: GOSR2 (golgi SNAP receptor complex member 2; plus strand), LRRC37A2 (leucine rich repeat containing 37 member A2), LOC126862578 (BRD4-independent group 4 enhancer GRCh37_chr17:45008344-45009543; plus strand). Cytogenetic location: 17q21.32.
Variant type: single nucleotide variant.
Coding change: c.278C>T on transcript NM_004287.5 (MANE Select); coding-DNA position 278, C replaced by T.
Protein change: p.Ala93Val; replaces alanine 93 with valine.
Molecular consequence: missense variant. On other transcripts: non-coding transcript variant (3).
Genome position (GRCh38, 1-based): chr17:46,932,141, C>T. VCF-style: chr17-46932141-C-T. GRCh37 (hg19) VCF-style: chr17-45009507-C-T.
Other names: c.278C>T, p.Ala93Val (NM_001012511.3, NM_001321133.2, NM_001330252.2 and 1 more transcripts); c.224C>T, p.Ala75Val (NM_001321134.2, NM_001363851.2); c.275C>T, p.Ala92Val (NM_001353114.2, NM_001353115.2, NM_001353116.2); c.278C>T (NM_004287.3); short protein forms A75V, A92V, A93V.
Identifiers: ClinVar variation 1395427 (VCV001395427.10), dbSNP rs2146913099, ClinGen allele CA400017010.

ClinVar aggregate classification (germline): Conflicting classifications of pathogenicity. Review status: criteria provided, conflicting classifications (1 of 4 stars). 2 submissions from 2 submitters: Uncertain significance (1); Likely benign (1). Last evaluated 2026-04-28.

Conditions:
Inborn genetic diseases. Identifiers: MedGen C0950123, MeSH D030342.
Progressive myoclonic epilepsy. Also called: Familial progressive myoclonic epilepsy; Myoclonus epilepsy; Progressive myoclonus epilepsy; Myoclonic Epilepsies, Progressive. Identifiers: Orphanet 308, Orphanet 98261, MedGen C0751778, MONDO:0020074.

Submissions (2):

Ambry Genetics
Classification: Likely benign for Inborn genetic diseases. Last evaluated: 2026-04-28. Review status: criteria provided, single submitter. Criteria: Ambry Variant Classification Scheme 2023. Collection method: clinical testing. Allele origin: germline.

Labcorp Genetics (formerly Invitae), Labcorp
Classification: Uncertain significance for Progressive myoclonic epilepsy. Last evaluated: 2022-07-06. Review status: criteria provided, single submitter. Criteria: Invitae Variant Classification Sherloc (09022015). Collection method: clinical testing. Allele origin: germline.
Comment: In summary, the available evidence is currently insufficient to determine the role of this variant in disease. Therefore, it has been classified as a Variant of Uncertain Significance. Algorithms developed to predict the effect of sequence changes on RNA splicing suggest that this variant may create or strengthen a splice site. Algorithms developed to predict the effect of missense changes on protein structure and function output the following: SIFT: "Tolerated"; PolyPhen-2: "Benign"; Align-GVGD: "Class C0". The valine amino acid residue is found in multiple mammalian species, which suggests that this missense change does not adversely affect protein function. ClinVar contains an entry for this variant (Variation ID: 1395427). This variant has not been reported in the literature in individuals affected with GOSR2-related conditions. This variant is not present in population databases (gnomAD no frequency). This sequence change replaces alanine, which is neutral and non-polar, with valine, which is neutral and non-polar, at codon 93 of the GOSR2 protein (p.Ala93Val).